The following is an entry in ClinVar:

NM_000070.3(CAPN3):c.2263+1G>A

Gene: CAPN3 (calpain 3; plus strand). Cytogenetic location: 15q15.1.
Variant type: single nucleotide variant.
Coding change: c.2263+1G>A on transcript NM_000070.3 (MANE Select); the canonical splice donor site of the intron after coding-DNA position 2263, G replaced by A.
Molecular consequence: splice donor variant.
Genome position (GRCh38, 1-based): chr15:42,410,667, G>A. VCF-style: chr15-42410667-G-A. GRCh37 (hg19) VCF-style: chr15-42702865-G-A.
Other names: c.2245+1G>A (NM_024344.2); c.1987+1G>A (NM_173087.2); c.727+1G>A (NM_173088.2); c.268+1G>A (NM_173090.2, NM_173089.2).
Identifiers: ClinVar variation 290519 (VCV000290519.19), dbSNP rs886044475, ClinGen allele CA10606801.

ClinVar aggregate classification (germline): Pathogenic. Review status: criteria provided, multiple submitters, no conflicts (2 of 4 stars). 3 submissions from 3 submitters: Pathogenic (3). Last evaluated 2022-11-06.

Conditions:
Autosomal recessive limb-girdle muscular dystrophy type 2A (LGMDR1). Also called: LEYDEN-MOEBIUS MUSCULAR DYSTROPHY; MUSCULAR DYSTROPHY, PELVOFEMORAL; Limb-girdle muscular dystrophy, type 2A; Calpainopathy; Muscular dystrophy, limb-girdle, type 2A, Amish. Identifiers: Orphanet 267, MedGen C1869123, MONDO:0009675, OMIM 253600. Disease mechanism: loss of function.

Allele frequency attached by ClinVar (database versions not stated): gnomAD exomes below 0.00001.
gnomAD v4.1: 2 of 1,612,796 alleles (0.00012%); highest among the groups gnomAD compares: Non-Finnish European, 0.00017%; no homozygotes.

Submissions (3):

Labcorp Genetics (formerly Invitae), Labcorp
Classification: Pathogenic for Autosomal recessive limb-girdle muscular dystrophy type 2A. Last evaluated: 2022-11-06. Review status: criteria provided, single submitter. Criteria: Invitae Variant Classification Sherloc (09022015). Collection method: clinical testing. Allele origin: germline.
Comment: For these reasons, this variant has been classified as Pathogenic. Algorithms developed to predict the effect of sequence changes on RNA splicing suggest that this variant may disrupt the consensus splice site. ClinVar contains an entry for this variant (Variation ID: 290519). Disruption of this splice site has been observed in individuals with autosomal recessive muscular dystrophy (PMID: 18055493; Invitae). This variant is not present in population databases (gnomAD no frequency). This sequence change affects a donor splice site in intron 21 of the CAPN3 gene. It is expected to disrupt RNA splicing. Variants that disrupt the donor or acceptor splice site typically lead to a loss of protein function (PMID: 16199547), and loss-of-function variants in CAPN3 are known to be pathogenic (PMID: 10330340, 15689361).

Revvity Omics, Revvity
Classification: Pathogenic. Last evaluated: 2019-02-07. Review status: criteria provided, single submitter. Criteria: ACMG Guidelines, 2015. Collection method: clinical testing. Allele origin: germline.

Eurofins Ntd Llc (ga)
Classification: Pathogenic. Last evaluated: 2016-09-23. Review status: criteria provided, single submitter. Criteria: EGL Classification Definitions 2015. Collection method: clinical testing. Allele origin: germline. Observed: 1 variant allele, 1 heterozygote.

Literature cited by the submitters: PubMed 18055493 (cited by Labcorp Genetics (formerly Invitae), Labcorp); PubMed 16199547 (cited by Labcorp Genetics (formerly Invitae), Labcorp); PubMed 10330340 (cited by Labcorp Genetics (formerly Invitae), Labcorp); PubMed 15689361 (cited by Labcorp Genetics (formerly Invitae), Labcorp).